The following is an entry in ClinVar:

NM_001379500.1(COL18A1):c.1429G>A (p.Gly477Arg)

Gene: COL18A1 (collagen type XVIII alpha 1 chain; plus strand). Cytogenetic location: 21q22.3.
Variant type: single nucleotide variant.
Coding change: c.1429G>A on transcript NM_001379500.1 (MANE Select); coding-DNA position 1429, G replaced by A.
Protein change: p.Gly477Arg; replaces glycine 477 with arginine.
Molecular consequence: missense variant.
Genome position (GRCh38, 1-based): chr21:45,480,497, G>A. VCF-style: chr21-45480497-G-A. GRCh37 (hg19) VCF-style: chr21-46900411-G-A.
Other names: c.1969G>A, p.Gly657Arg (NM_030582.4); c.2674G>A, p.Gly892Arg (NM_130444.3); short protein forms G657R, G892R, G477R.
Identifiers: ClinVar variation 1387214 (VCV001387214.4), dbSNP rs375852929, ClinGen allele CA10066317.

ClinVar aggregate classification (germline): Uncertain significance (1 of 4 stars; one submission).

Allele frequency attached by ClinVar (database versions not stated): TOPMed 0.00002; gnomAD 0.00003; gnomAD exomes 0.00003; ExAC 0.00004; ESP Exome Variant Server 0.00008.

Submission:

Labcorp Genetics (formerly Invitae), Labcorp
Classification: Uncertain significance. Last evaluated: 2024-06-22. Review status: criteria provided, single submitter. Criteria: Invitae Variant Classification Sherloc (09022015). Collection method: clinical testing. Allele origin: germline.
Comment: This sequence change replaces glycine, which is neutral and non-polar, with arginine, which is basic and polar, at codon 477 of the COL18A1 protein (p.Gly477Arg). This variant is present in population databases (rs375852929, gnomAD 0.01%), including at least one homozygous and/or hemizygous individual. This variant has not been reported in the literature in individuals affected with COL18A1-related conditions. Experimental studies and prediction algorithms are not available or were not evaluated, and the functional significance of this variant is currently unknown. In summary, the available evidence is currently insufficient to determine the role of this variant in disease. Therefore, it has been classified as a Variant of Uncertain Significance.